The following is an entry in ClinVar:

NM_014889.4(PITRM1):c.1633C>T (p.Arg545Trp)

Gene: PITRM1 (pitrilysin metallopeptidase 1; minus strand). Cytogenetic location: 10p15.2.
Variant type: single nucleotide variant.
Coding change: c.1633C>T on transcript NM_014889.4 (MANE Select); coding-DNA position 1633, C replaced by T.
Protein change: p.Arg545Trp; replaces arginine 545 with tryptophan.
Molecular consequence: missense variant. On other transcripts: non-coding transcript variant (4).
Genome position (GRCh38, 1-based): chr10:3,151,352, G>A on the plus strand (C>T on the coding strand, the complement: PITRM1 is on the minus strand). VCF-style: chr10-3151352-G-A. GRCh37 (hg19) VCF-style: chr10-3193544-G-A.
Other names: c.1633C>T, p.Arg545Trp (NM_001242307.2, NM_001347725.2); c.1537C>T, p.Arg513Trp (NM_001242309.1); c.1018C>T, p.Arg340Trp (NM_001347726.2, NM_001347727.2); c.328C>T, p.Arg110Trp (NM_001347728.2); c.1609C>T, p.Arg537Trp (NM_001347729.1, NM_001347730.1); short protein forms R340W, R513W, R545W, R110W, R537W.
Identifiers: ClinVar variation 1372724 (VCV001372724.4), dbSNP rs200871543, ClinGen allele CA5387754.

ClinVar aggregate classification (germline): Uncertain significance (1 of 4 stars; one submission).

Allele frequency attached by ClinVar (database versions not stated): gnomAD 0.00004 and 0.00005; ExAC 0.00006; gnomAD exomes 0.00006; TOPMed 0.00009; ESP Exome Variant Server 0.00017.
gnomAD v4.1: 96 of 1,597,842 alleles (0.006%); highest among the groups gnomAD compares: Middle Eastern, 0.017%; no homozygotes.

Submission:

Labcorp Genetics (formerly Invitae), Labcorp
Classification: Uncertain significance. Last evaluated: 2021-10-24. Review status: criteria provided, single submitter. Criteria: Invitae Variant Classification Sherloc (09022015). Collection method: clinical testing. Allele origin: germline.
Comment: In summary, the available evidence is currently insufficient to determine the role of this variant in disease. Therefore, it has been classified as a Variant of Uncertain Significance. Algorithms developed to predict the effect of missense changes on protein structure and function (SIFT, PolyPhen-2, Align-GVGD) all suggest that this variant is likely to be tolerated. This variant has not been reported in the literature in individuals affected with PITRM1-related conditions. This variant is present in population databases (rs200871543, ExAC 0.01%). This sequence change replaces arginine with tryptophan at codon 513 of the PITRM1 protein (p.Arg513Trp). The arginine residue is weakly conserved and there is a moderate physicochemical difference between arginine and tryptophan.